The following is an entry in ClinVar:

ClinVar aggregate classification (germline): Uncertain significance (1 of 4 stars; one submission).

Submission:

Dasa
Classification: Uncertain significance. Last evaluated: 2025-10-11. Review status: criteria provided, single submitter. Criteria: DASA Assertion Criteria. Collection method: clinical testing. Allele origin: germline.
Comment: NM_003383.5(VLDLR):c.214T>C (p.Cys72Arg) is a missense variant that results in the substitution of cysteine with arginine. This variant is absent from population databases. Computational prediction algorithms are consistent with a deleterious effect. The currently available literature and clinical evidence are not sufficient to establish a definitive association between this variant and the reported condition. Therefore, this variant is classified as a variant of uncertain significance.

NM_003383.5(VLDLR):c.214T>C (p.Cys72Arg)

Gene: VLDLR (very low density lipoprotein receptor; plus strand). Cytogenetic location: 9p24.2.
Variant type: single nucleotide variant.
Coding change: c.214T>C on transcript NM_003383.5 (MANE Select); coding-DNA position 214, T replaced by C.
Protein change: p.Cys72Arg; replaces cysteine 72 with arginine.
Molecular consequence: missense variant.
Genome position (GRCh38, 1-based): chr9:2,639,870, T>C. VCF-style: chr9-2639870-T-C. GRCh37 (hg19) VCF-style: chr9-2639870-T-C.
Other names: c.214T>C, p.Cys72Arg (NM_001018056.3, NM_001322225.2, NM_001322226.2); short protein forms C72R.
Identifiers: ClinVar variation 4881555 (VCV004881555.2).
Genomic context (GRCh38, chr9:2,639,870, plus strand): 5'-GCTGTGGGTAAATGACTTCAACTTTAACCCTTCAAATAAACGTTTGTAGTAAAGAAGACG[T>C]GTGCTGAATCTGACTTCGTGTGCAACAATGGCCAGTGTGTTCCCAGCCGATGGAAGTGTG-3'
Protein context (NP_003374.3, residues 62-82): SDEKNCVKKT[Cys72Arg]AESDFVCNNG